The following is an entry in ClinVar:

ClinVar aggregate classification (germline): Benign/Likely benign. Review status: criteria provided, multiple submitters, no conflicts (2 of 4 stars). 3 submissions from 3 submitters: Benign (1); Likely benign (2). Last evaluated 2026-06-03.

Conditions:
Gastrointestinal stromal tumor. Also called: Gastrointestinal stromal tumor, somatic; Gastrointestinal stroma tumor. Identifiers: Orphanet 44890, MedGen C0238198, MeSH D046152, MONDO:0011719, OMIM 606764, HP:0100723.
Hereditary cancer-predisposing syndrome. Also called: Neoplastic Syndromes, Hereditary; Tumor predisposition; Hereditary neoplastic syndrome; Hereditary Cancer Syndrome. Identifiers: Orphanet 140162, MedGen C0027672, MeSH D009386, MONDO:0015356.

Submissions (3):

Myriad Genetics, Inc.
Classification: Benign for Gastrointestinal stromal tumor. Last evaluated: 2026-06-03. Review status: criteria provided, single submitter. Criteria: Myriad Autosomal Dominant, Autosomal Recessive and X-Linked Classification Criteria (2023). Collection method: clinical testing. Allele origin: unknown.
Comment: This variant is considered benign. This variant is a silent/synonymous amino acid change and it is not expected to impact splicing.

Labcorp Genetics (formerly Invitae), Labcorp
Classification: Likely benign for Gastrointestinal stromal tumor. Last evaluated: 2026-01-12. Review status: criteria provided, single submitter. Criteria: Invitae Variant Classification Sherloc (09022015). Collection method: clinical testing. Allele origin: germline.

Ambry Genetics
Classification: Likely benign for Hereditary cancer-predisposing syndrome. Last evaluated: 2023-10-15. Review status: criteria provided, single submitter. Criteria: Ambry Variant Classification Scheme 2023. Collection method: clinical testing. Allele origin: germline.

NM_000222.3(KIT):c.1017A>T (p.Ala339=)

Gene: KIT (KIT proto-oncogene, receptor tyrosine kinase; plus strand). Cytogenetic location: 4q12.
Variant type: single nucleotide variant.
Coding change: c.1017A>T on transcript NM_000222.3 (MANE Select); coding-DNA position 1017, A replaced by T.
Protein change: p.Ala339=; no amino-acid change (alanine 339 retained).
Molecular consequence: synonymous variant.
Genome position (GRCh38, 1-based): chr4:54,707,189, A>T. VCF-style: chr4-54707189-A-T. GRCh37 (hg19) VCF-style: chr4-55573355-A-T.
Other names: c.1017A>T, p.Ala339= (NM_001093772.2, NM_001385285.1, NM_001385286.1); c.1020A>T, p.Ala340= (NM_001385284.1, NM_001385288.1, NM_001385290.1 and 1 more transcripts).
Identifiers: ClinVar variation 2897337 (VCV002897337.5), dbSNP rs1253593989, ClinGen allele CA439288617.